The following is an entry in ClinVar:

NM_021096.4(CACNA1I):c.3509A>G (p.Lys1170Arg)

Gene: CACNA1I (calcium voltage-gated channel subunit alpha1 I; plus strand). Cytogenetic location: 22q13.1.
Variant type: single nucleotide variant.
Coding change: c.3509A>G on transcript NM_021096.4 (MANE Select); coding-DNA position 3509, A replaced by G.
Protein change: p.Lys1170Arg; replaces lysine 1170 with arginine.
Molecular consequence: missense variant.
Genome position (GRCh38, 1-based): chr22:39,663,753, A>G. VCF-style: chr22-39663753-A-G. GRCh37 (hg19) VCF-style: chr22-40059758-A-G.
Other names: c.3509A>G (NM_021096.3); c.3404A>G, p.Lys1135Arg (NM_001003406.2); short protein forms K1135R, K1170R.
Identifiers: ClinVar variation 3902032 (VCV003902032.2).
Genomic context (GRCh38, chr22:39,663,753, plus strand): 5'-GGCAGCCCCCGCCCACCCTGCCCAGGTTCCGGGTCCTGTGTCAGACCATTATTGCCCACA[A>G]ACTCTTCGACTACGTCGTCCTGGCCTTCATCTTTCTCAACTGCATCACCATCGCCCTGGA-3'
Protein context (NP_066919.2, residues 1160-1180): RVLCQTIIAH[Lys1170Arg]LFDYVVLAFI

ClinVar aggregate classification (germline): Uncertain significance. Review status: criteria provided, multiple submitters, no conflicts (2 of 4 stars). 2 submissions from 2 submitters: Uncertain significance (2). Last evaluated 2025-08-13.

Conditions:
Neurodevelopmental disorder with speech impairment and with or without seizures. Also called: Neurodevelopmental disorder with variable intellectual disability and speech impairment, with or without seizures. Identifiers: MedGen C5774252, MONDO:0859313, OMIM 620114.

gnomAD v4.1: 2 of 1,613,720 alleles (0.00012%); highest among the groups gnomAD compares: Non-Finnish European, 0.00017%; no homozygotes.

Submissions (2):

GeneDx
Classification: Uncertain significance. Last evaluated: 2025-08-13. Review status: criteria provided, single submitter. Criteria: GeneDx Variant Classification Process June 2021. Collection method: clinical testing. Allele origin: germline. Affected: yes.
Comment: Not observed at significant frequency in large population cohorts (gnomAD); In silico analysis supports a deleterious effect on splicing; In silico analysis suggests that this missense variant does not alter protein structure/function; Has not been previously published as pathogenic or benign to our knowledge

Laboratorio de Genetica e Diagnostico Molecular, Hospital Israelita Albert Einstein
Classification: Uncertain significance for Neurodevelopmental disorder with speech impairment and with or without seizures. Last evaluated: 2023-03-27. Review status: criteria provided, single submitter. Criteria: ACMG Guidelines, 2015. Collection method: clinical testing. Allele origin: germline. Affected: yes.
Comment: ACMG classification criteria: PM2 moderate, PP3 supporting